The following is an entry in ClinVar:

ClinVar aggregate classification (germline): Likely benign (1 of 4 stars; one submission).

gnomAD v4.1: 2,961 of 1,614,172 alleles (0.18%); highest among the groups gnomAD compares: Non-Finnish European, 0.18%; 8 homozygotes.

Submission:

CeGaT Center for Human Genetics Tuebingen
Classification: Likely benign. Last evaluated: 2025-02-01. Review status: criteria provided, single submitter. Criteria: CeGaT Center For Human Genetics Tuebingen Variant Classification Criteria Version 2. Collection method: clinical testing. Allele origin: germline. Affected: yes. Observed: 1 variant allele.
Comment: BTN3A3: BP4

NM_006994.5(BTN3A3):c.1085T>C (p.Val362Ala)

Gene: BTN3A3 (butyrophilin subfamily 3 member A3; plus strand). Cytogenetic location: 6p22.2.
Variant type: single nucleotide variant.
Coding change: c.1085T>C on transcript NM_006994.5 (MANE Select); coding-DNA position 1085, T replaced by C.
Protein change: p.Val362Ala; replaces valine 362 with alanine.
Molecular consequence: missense variant.
Genome position (GRCh38, 1-based): chr6:26,451,741, T>C. VCF-style: chr6-26451741-T-C. GRCh37 (hg19) VCF-style: chr6-26451969-T-C.
Other names: c.455T>C, p.Val152Ala (NM_001242803.2); c.938T>C, p.Val313Ala (NM_197974.3); short protein forms V152A, V313A, V362A.
Identifiers: ClinVar variation 3770575 (VCV003770575.13).